The following is an entry in ClinVar:

GRCh38/hg38 17p11.2(chr17:16832948-20527478)x1

Genes: MAPK7 (mitogen-activated protein kinase 7; plus strand), MED9 (mediator complex subunit 9; plus strand), MFAP4 (microfibril associated protein 4; minus strand), MIEF2 (mitochondrial elongation factor 2; plus strand), MIR1180 (microRNA 1180; minus strand) and 244 more. Cytogenetic location: 17p11.2.
Variant type: copy number loss.
Change: copy number 1 (one copy instead of two) of chr17:16,832,948-20,527,478 (3.69 Mb, GRCh38 coordinates, 1-based), cytogenetic band 17p11.2.
Identifiers: ClinVar variation 4796133 (VCV004796133.1).

ClinVar aggregate classification (germline): Pathogenic (1 of 4 stars; one submission).

Submission:

Medical Genetic Center, Changzhi Maternal and Child Health Care Hospital
Classification: Pathogenic. Last evaluated: 2025-12-10. Review status: criteria provided, single submitter. Criteria: ACMG/ClinGen CNV Guidelines, 2019. Collection method: clinical testing. Allele origin: unknown.
Comment: 2A:17p11.2 recurrent (SMS/PLS) region (includes RAI1),FLCN,RAI1